The following is an entry in ClinVar:

NM_001126108.2(SLC12A3):c.1076A>G (p.Asn359Ser)

Gene: SLC12A3 (solute carrier family 12 member 3; plus strand). Cytogenetic location: 16q13.
Variant type: single nucleotide variant.
Coding change: c.1076A>G on transcript NM_001126108.2 (MANE Select); coding-DNA position 1076, A replaced by G.
Protein change: p.Asn359Ser; replaces asparagine 359 with serine.
Molecular consequence: missense variant.
Genome position (GRCh38, 1-based): chr16:56,872,767, A>G. VCF-style: chr16-56872767-A-G. GRCh37 (hg19) VCF-style: chr16-56906679-A-G.
Other names: c.1076A>G, p.Asn359Ser (NM_000339.3); c.1073A>G, p.Asn358Ser (NM_001126107.2, NM_001410896.1); short protein forms N358S, N359S.
Identifiers: ClinVar variation 3627689 (VCV003627689.2).

ClinVar aggregate classification (germline): Likely pathogenic (1 of 4 stars; one submission).

gnomAD v4.1: 4 of 1,614,244 alleles (0.00025%); highest among the groups gnomAD compares: South Asian, 0.0044%; no homozygotes.

Submission:

Labcorp Genetics (formerly Invitae), Labcorp
Classification: Likely pathogenic. Last evaluated: 2024-02-21. Review status: criteria provided, single submitter. Criteria: Invitae Variant Classification Sherloc (09022015). Collection method: clinical testing. Allele origin: germline.
Comment: This sequence change replaces asparagine, which is neutral and polar, with serine, which is neutral and polar, at codon 359 of the SLC12A3 protein (p.Asn359Ser). This variant is present in population databases (rs745709495, gnomAD 0.01%). This variant has not been reported in the literature in individuals affected with SLC12A3-related conditions. Advanced modeling of protein sequence and biophysical properties (such as structural, functional, and spatial information, amino acid conservation, physicochemical variation, residue mobility, and thermodynamic stability) performed at Invitae indicates that this missense variant is expected to disrupt SLC12A3 protein function with a positive predictive value of 95%. This variant disrupts the p.Asn359 amino acid residue in SLC12A3. Other variant(s) that disrupt this residue have been determined to be pathogenic (PMID: 19207868, 26825084, 30413979, 30596175). This suggests that this residue is clinically significant, and that variants that disrupt this residue are likely to be disease-causing. In summary, the currently available evidence indicates that the variant is pathogenic, but additional data are needed to prove that conclusively. Therefore, this variant has been classified as Likely Pathogenic.

Literature cited by the submitters: PubMed 19207868; PubMed 26825084; PubMed 30413979; PubMed 30596175.